The following is an entry in ClinVar:

NM_021930.6(RINT1):c.173C>T (p.Ala58Val)

Gene: RINT1 (RAD50 interactor 1; plus strand). Cytogenetic location: 7q22.3.
Variant type: single nucleotide variant.
Coding change: c.173C>T on transcript NM_021930.6 (MANE Select); coding-DNA position 173, C replaced by T.
Protein change: p.Ala58Val; replaces alanine 58 with valine.
Molecular consequence: missense variant. On other transcripts: 5 prime UTR variant (3), non-coding transcript variant (1), intron variant (1).
Genome position (GRCh38, 1-based): chr7:105,536,649, C>T. VCF-style: chr7-105536649-C-T. GRCh37 (hg19) VCF-style: chr7-105177096-C-T.
Other names: c.-847C>T (NM_001346600.2); c.-750C>T (NM_001346601.2); c.-370C>T (NM_001346603.2); c.39+37C>T (NM_001346599.2); short protein forms A58V.
Identifiers: ClinVar variation 2563369 (VCV002563369.2), dbSNP rs2485099894, ClinGen allele CA368800262.

ClinVar aggregate classification (germline): Uncertain significance (1 of 4 stars; one submission).

Allele frequency attached by ClinVar (database versions not stated): gnomAD exomes below 0.00001.
gnomAD v4.1: 2 of 1,612,068 alleles (0.00012%); highest among the groups gnomAD compares: Non-Finnish European, 0.00017%; no homozygotes.

Submission:

Ambry Genetics
Classification: Uncertain significance. Last evaluated: 2023-06-09. Review status: criteria provided, single submitter. Criteria: Ambry Variant Classification Scheme 2023. Collection method: clinical testing. Allele origin: germline.
Comment: The p.A58V variant (also known as c.173C>T), located in coding exon 3 of the RINT1 gene, results from a C to T substitution at nucleotide position 173. The alanine at codon 58 is replaced by valine, an amino acid with similar properties. This amino acid position is conserved. In addition, this alteration is predicted to be tolerated by in silico analysis. Since supporting evidence is limited at this time, the clinical significance of this alteration remains unclear.